The following is an entry in ClinVar:

ClinVar aggregate classification (germline): Likely benign. Review status: criteria provided, multiple submitters, no conflicts (2 of 4 stars). 2 submissions from 2 submitters: Likely benign (2). Last evaluated 2018-06-16.

Allele frequency attached by ClinVar (database versions not stated): 1000 Genomes Project 0.00719; 1000 Genomes Project 30x 0.00765; TOPMed 0.01471; gnomAD 0.01791; gnomAD exomes 0.01962.
gnomAD v4.1: 23,394 of 1,232,216 alleles (1.9%); highest among the groups gnomAD compares: Non-Finnish European, 2.2%; 254 homozygotes.

Submissions (2):

GeneDx
Classification: Likely benign. Last evaluated: 2018-06-16. Review status: criteria provided, single submitter. Criteria: GeneDx Variant Classification (06012015). Collection method: clinical testing. Allele origin: germline. Affected: yes.
Comment: This variant is considered likely benign or benign based on one or more of the following criteria: it is a conservative change, it occurs at a poorly conserved position in the protein, it is predicted to be benign by multiple in silico algorithms, and/or has population frequency not consistent with disease.

Breakthrough Genomics
Classification: Likely benign. Review status: criteria provided, single submitter. Criteria: ACMG Guidelines, 2015. Collection method: not provided. Allele origin: germline. Inheritance: Autosomal dominant inheritance. Affected: yes.

NM_001035.3(RYR2):c.4161-76A>G

Gene: RYR2 (ryanodine receptor 2; plus strand). Cytogenetic location: 1q43.
Variant type: single nucleotide variant.
Coding change: c.4161-76A>G on transcript NM_001035.3 (MANE Select); 76 bases into the intron before coding-DNA position 4161, A replaced by G.
Molecular consequence: intron variant.
Genome position (GRCh38, 1-based): chr1:237,591,663, A>G. VCF-style: chr1-237591663-A-G. GRCh37 (hg19) VCF-style: chr1-237754963-A-G.
Identifiers: ClinVar variation 671504 (VCV000671504.2), dbSNP rs112387072, ClinGen allele CA39803943.